The following is an entry in ClinVar:

NM_001282531.3(ADNP):c.3104A>G (p.Lys1035Arg)

Gene: ADNP (activity dependent neuroprotector homeobox; minus strand). Cytogenetic location: 20q13.13.
Variant type: single nucleotide variant.
Coding change: c.3104A>G on transcript NM_001282531.3 (MANE Select); coding-DNA position 3104, A replaced by G.
Protein change: p.Lys1035Arg; replaces lysine 1035 with arginine.
Molecular consequence: missense variant.
Genome position (GRCh38, 1-based): chr20:50,891,610, T>C on the plus strand (A>G on the coding strand, the complement: ADNP is on the minus strand). VCF-style: chr20-50891610-T-C. GRCh37 (hg19) VCF-style: chr20-49508147-T-C.
Other names: c.3104A>G, p.Lys1035Arg (NM_001282532.2, NM_001347511.2, NM_015339.5 and 1 more transcripts); short protein forms K1035R.
Identifiers: ClinVar variation 3026609 (VCV003026609.22), dbSNP rs773199386, ClinGen allele CA9908446.

ClinVar aggregate classification (germline): Likely benign (1 of 4 stars; one submission).

Allele frequency attached by ClinVar (database versions not stated): ExAC 0.00001; gnomAD 0.00001; gnomAD exomes 0.00001; TOPMed 0.00002.
gnomAD v4.1: 18 of 1,613,880 alleles (0.0011%); highest among the groups gnomAD compares: East Asian, 0.0022%; no homozygotes.

Submission:

CeGaT Center for Human Genetics Tuebingen
Classification: Likely benign. Last evaluated: 2025-08-01. Review status: criteria provided, single submitter. Criteria: CeGaT Center For Human Genetics Tuebingen Variant Classification Criteria Version 2. Collection method: clinical testing. Allele origin: germline. Affected: yes. Observed: 2 variant alleles.
Comment: ADNP: BP4